The following is an entry in ClinVar:

NM_005751.5(AKAP9):c.1772C>G (p.Ala591Gly)

Gene: AKAP9 (A-kinase anchoring protein 9; plus strand). Cytogenetic location: 7q21.2.
Variant type: single nucleotide variant.
Coding change: c.1772C>G on transcript NM_005751.5 (MANE Select); coding-DNA position 1772, C replaced by G.
Protein change: p.Ala591Gly; replaces alanine 591 with glycine.
Molecular consequence: missense variant.
Genome position (GRCh38, 1-based): chr7:92,001,689, C>G. VCF-style: chr7-92001689-C-G. GRCh37 (hg19) VCF-style: chr7-91631003-C-G.
Other names: c.1772C>G, p.Ala591Gly (NM_147185.3); short protein forms A591G.
Identifiers: ClinVar variation 2872706 (VCV002872706.3), dbSNP rs2484691173, ClinGen allele CA368122552.
Genomic context (GRCh38, chr7:92,001,689, plus strand): 5'-TGAAAGCTGAGATTGTTTCTGCATCTGAATCCAGAAAGGAACTAGAATTAAAACATGAAG[C>G]AGAAGTTACAAATTACAAGATAAAACTTGAAATGTTAGAAAAAGAAAAGAATGCTGTGTT-3'
Protein context (NP_005742.4, residues 581-601): SRKELELKHE[Ala591Gly]EVTNYKIKLE

ClinVar aggregate classification (germline): Uncertain significance (1 of 4 stars; one submission).

Conditions:
Long QT syndrome (LQTS). Identifiers: MedGen C0023976, MeSH D008133, MONDO:0002442. Disease mechanism: loss of function. Inheritance: Various modes of inheritance.

gnomAD v4.1: 2 of 1,612,270 alleles (0.00012%); highest among the groups gnomAD compares: Non-Finnish European, 0.000085%; no homozygotes.

Submission:

Labcorp Genetics (formerly Invitae), Labcorp
Classification: Uncertain significance for Long QT syndrome. Last evaluated: 2023-12-26. Review status: criteria provided, single submitter. Criteria: Invitae Variant Classification Sherloc (09022015). Collection method: clinical testing. Allele origin: germline.
Comment: This sequence change replaces alanine, which is neutral and non-polar, with glycine, which is neutral and non-polar, at codon 591 of the AKAP9 protein (p.Ala591Gly). This variant is not present in population databases (gnomAD no frequency). This variant has not been reported in the literature in individuals affected with AKAP9-related conditions. An algorithm developed to predict the effect of missense changes on protein structure and function (PolyPhen-2) suggests that this variant is likely to be disruptive. In summary, the available evidence is currently insufficient to determine the role of this variant in disease. Therefore, it has been classified as a Variant of Uncertain Significance.